The following is an entry in ClinVar:

NM_000193.4(SHH):c.1302G>A (p.Trp434Ter)

Gene: SHH (sonic hedgehog signaling molecule; minus strand). Cytogenetic location: 7q36.3.
Variant type: single nucleotide variant.
Coding change: c.1302G>A on transcript NM_000193.4 (MANE Select); coding-DNA position 1302, G replaced by A.
Protein change: p.Trp434Ter; replaces tryptophan 434 with a stop codon.
Molecular consequence: nonsense. On other transcripts: intron variant (1).
Genome position (GRCh38, 1-based): chr7:155,802,987, C>T on the plus strand (G>A on the coding strand, the complement: SHH is on the minus strand). VCF-style: chr7-155802987-C-T. GRCh37 (hg19) VCF-style: chr7-155595681-C-T.
Other names: c.302-2742G>A (NM_001310462.2); c.1302G>A (NM_000193.3); short protein forms W434*.
Identifiers: ClinVar variation 2582291 (VCV002582291.3), dbSNP rs2535891336, ClinGen allele CA370144090.

ClinVar aggregate classification (germline): Pathogenic. Review status: criteria provided, single submitter (1 of 4 stars). 2 submissions from 2 submitters: Pathogenic (1). 1 of the submissions does not count toward it. Last evaluated 2026-07-22.

Conditions:
SHH-related disorder. Also called: SHH-related condition; SHH-related disorders.

Submissions (2):

PreventionGenetics, part of Exact Sciences
Classification: Pathogenic for SHH-related condition. Last evaluated: 2026-07-22. Review status: criteria provided, single submitter. Criteria: ACMG Guidelines, 2015. Collection method: clinical testing. Allele origin: germline.
Comment: The SHH c.1302G>A variant is predicted to result in premature protein termination (p.Trp434*). This variant has been reported as de novo in the literature, in individuals with SHH-related phenotypes (Brea-Fernández et al. 2022. PubMed ID: 35322241; Yamada et al. 2024. PubMed ID: 38562108). An alternate variant resulting in the same predicted effect (c.1300_1301insA; p.Trp434*) has also been reported in a father and son with SHH-associated features (Yi et al. 2020. PubMed ID: 32703609). This variant has not been reported in a large population database (gnomAD), indicating this variant is rare. It is classified as pathogenic in ClinVar (Variation ID: 2582291). This variant resides in the terminal exon of SHH, yet numerous premature termination variants have been reported as causative nearby, both up and downstream. Nonsense variants in SHH are expected to be pathogenic. This variant is interpreted as pathogenic.

Center for Medical Genetics, Keio University School of Medicine
Classification: Pathogenic. Last evaluated: 2022-03-15. Review status: no assertion criteria provided. Collection method: clinical testing. Allele origin: de novo. Inheritance: Autosomal dominant inheritance. Affected: yes. Not counted in ClinVar's aggregate classification.